The following is an entry in ClinVar:

ClinVar aggregate classification (germline): Uncertain significance (1 of 4 stars; one submission).

Conditions:
RYR1-related disorder. Also called: RYR1-related condition; RYR1-related disorders. Identifiers: MedGen CN239331.

Submission:

Labcorp Genetics (formerly Invitae), Labcorp
Classification: Uncertain significance for RYR1-related disorder. Last evaluated: 2026-02-01. Review status: criteria provided, single submitter. Criteria: Invitae Variant Classification Sherloc (09022015). Collection method: clinical testing. Allele origin: germline.
Comment: This sequence change falls in intron 34 of the RYR1 gene. It does not directly change the encoded amino acid sequence of the RYR1 protein. It affects a nucleotide within the consensus splice site. This variant is not present in population databases (gnomAD no frequency). This variant has not been reported in the literature in individuals affected with RYR1-related conditions. Variants that disrupt the consensus splice site are a relatively common cause of aberrant splicing (PMID: 17576681, 9536098). Algorithms developed to predict the effect of sequence changes on RNA splicing suggest that this variant is not likely to affect RNA splicing. In summary, the available evidence is currently insufficient to determine the role of this variant in disease. Therefore, it has been classified as a Variant of Uncertain Significance.

Literature cited by the submitters: PubMed 17576681; PubMed 9536098.

NM_000540.3(RYR1):c.5547+6G>A

Gene: RYR1 (ryanodine receptor 1; plus strand). Cytogenetic location: 19q13.2.
Variant type: single nucleotide variant.
Coding change: c.5547+6G>A on transcript NM_000540.3 (MANE Select); 6 bases into the intron after coding-DNA position 5547, G replaced by A.
Molecular consequence: intron variant.
Genome position (GRCh38, 1-based): chr19:38,486,208, G>A. VCF-style: chr19-38486208-G-A. GRCh37 (hg19) VCF-style: chr19-38976848-G-A.
Other names: c.5547+6G>A (NM_001042723.2).
Identifiers: ClinVar variation 4797155 (VCV004797155.1).
Genomic context (GRCh38, chr19:38,486,208, plus strand): 5'-GGGCTCCGTGGAGTTCCAGTTTGTGCCTGTGCTCAAGCTCGTGTCCACCCTGCTGGTAAT[G>A]GCTTCCTCCTGCTTTCCTCTGTCCCATTCTTCTCCCACATTCCCAAAACTCCAGAGATAC-3'